The following is an entry in ClinVar:

ClinVar aggregate classification (germline): Benign/Likely benign. Review status: criteria provided, multiple submitters, no conflicts (2 of 4 stars). 14 submissions from 14 submitters: Benign (5); Likely benign (3). 6 of the submissions do not count toward it. Last evaluated 2026-02-04.

Conditions:
Propionic acidemia (PROP). Also called: KETOTIC HYPERGLYCINEMIA; GLYCINEMIA, KETOTIC; HYPERGLYCINEMIA WITH KETOACIDOSIS AND LEUKOPENIA. Identifiers: Orphanet 35, MedGen C0268579, MONDO:0011628, OMIM 606054, HP:0003571.

Allele frequency attached by ClinVar (database versions not stated): 1000 Genomes Project 0.00100; ESP Exome Variant Server 0.00123; 1000 Genomes Project 30x 0.00156; gnomAD 0.00161 and 0.00162; gnomAD exomes 0.00169 and 0.00212; ExAC 0.00197; TOPMed 0.00213.
gnomAD v4.1: 2,725 of 1,612,734 alleles (0.17%); highest among the groups gnomAD compares: Admixed American, 0.59%; 6 homozygotes.

Submissions (14):

Labcorp Genetics (formerly Invitae), Labcorp
Classification: Benign for Propionic acidemia. Last evaluated: 2026-02-04. Review status: criteria provided, single submitter. Criteria: Invitae Variant Classification Sherloc (09022015). Collection method: clinical testing. Allele origin: germline.

CeGaT Center for Human Genetics Tuebingen
Classification: Likely benign. Last evaluated: 2026-01-01. Review status: criteria provided, single submitter. Criteria: CeGaT Center For Human Genetics Tuebingen Variant Classification Criteria Version 2. Collection method: clinical testing. Allele origin: germline. Affected: yes. Observed: 2 variant alleles.
Comment: PCCB: BS3:Supporting, BS2

Blueprint Genetics
Classification: Likely benign. Last evaluated: 2024-11-18. Review status: criteria provided, single submitter. Criteria: ACMG Guidelines, 2015. Collection method: clinical testing. Allele origin: germline.

Mayo Clinic Laboratories, Mayo Clinic
Classification: Benign. Last evaluated: 2023-09-27. Review status: criteria provided, single submitter. Criteria: ACMG Guidelines, 2015. Collection method: clinical testing. Allele origin: germline. Observed: 3 variant alleles.
Comment: BS1, BS3, BP2, PP3

Fulgent Genetics
Classification: Likely benign for Propionic acidemia. Last evaluated: 2022-04-08. Review status: criteria provided, single submitter. Criteria: ACMG Guidelines, 2015. Collection method: clinical testing. Allele origin: unknown.

GeneDx
Classification: Benign. Last evaluated: 2019-10-21. Review status: criteria provided, single submitter. Criteria: GeneDx Variant Classification Process June 2021. Collection method: clinical testing. Allele origin: germline. Affected: yes.
Comment: This variant is associated with the following publications: (PMID: 30782561, 12757933, 12007220, 11749052, 9683601)

Mendelics
Classification: Benign for Propionic acidemia. Last evaluated: 2019-05-28. Review status: criteria provided, single submitter. Criteria: Mendelics Assertion Criteria 2017. Collection method: clinical testing. Allele origin: unknown.

Illumina Laboratory Services, Illumina
Classification: Benign for Propionic acidemia. Last evaluated: 2017-04-27. Review status: criteria provided, single submitter. Criteria: ICSL Variant Classification Criteria 13 December 2019. Collection method: clinical testing. Allele origin: germline.
Comment: This variant was observed as part of a predisposition screen in an ostensibly healthy population. A literature search was performed for the gene, cDNA change, and amino acid change (where applicable). Publications were found based on this search. The evidence from the literature, in combination with allele frequency data from public databases where available, was sufficient to rule this variant out of causing disease. Therefore, this variant is classified as benign.

Natera, Inc.
Classification: Benign for Propionic acidemia. Last evaluated: 2020-05-02. Review status: no assertion criteria provided. Collection method: clinical testing. Allele origin: germline. Not counted in ClinVar's aggregate classification.

Clinical Genetics DNA and cytogenetics Diagnostics Lab, Erasmus MC, Erasmus Medical Center
Classification: Likely benign. Review status: no assertion criteria provided. Collection method: clinical testing. Allele origin: germline. Affected: yes. Study: VKGL Data-share Consensus. Not counted in ClinVar's aggregate classification.

Clinical Genetics, Academic Medical Center
Classification: Likely benign. Review status: no assertion criteria provided. Collection method: clinical testing. Allele origin: germline. Affected: yes. Study: VKGL Data-share Consensus. Not counted in ClinVar's aggregate classification.

Diagnostic Laboratory, Department of Genetics, University Medical Center Groningen
Classification: Likely benign. Review status: no assertion criteria provided. Collection method: clinical testing. Allele origin: germline. Affected: yes. Study: VKGL Data-share Consensus. Not counted in ClinVar's aggregate classification.

GeneReviews
No classification provided. Condition: Propionic acidemia. Review status: no classification provided. Collection method: literature only. Allele origin: unknown. Not counted in ClinVar's aggregate classification.

Genome Diagnostics Laboratory, University Medical Center Utrecht
Classification: Likely benign. Review status: no assertion criteria provided. Collection method: clinical testing. Allele origin: germline. Affected: yes. Study: VKGL Data-share Consensus. Not counted in ClinVar's aggregate classification.

Literature cited by the submitters: PubMed 12007220 (cited by Mayo Clinic Laboratories, Mayo Clinic); PubMed 12757933 (cited by Mayo Clinic Laboratories, Mayo Clinic and Illumina Laboratory Services, Illumina); PubMed 33473339 (cited by Mayo Clinic Laboratories, Mayo Clinic); PubMed 35460704 (cited by Mayo Clinic Laboratories, Mayo Clinic); PubMed 9683601 (cited by Mayo Clinic Laboratories, Mayo Clinic); PubMed 15890657 (cited by Illumina Laboratory Services, Illumina); PubMed 11749052 (cited by Illumina Laboratory Services, Illumina); PubMed 22593918 (cited by GeneReviews); NCBI Bookshelf NBK92946 (cited by GeneReviews).

NM_000532.5(PCCB):c.1490C>T (p.Ala497Val)

Gene: PCCB (propionyl-CoA carboxylase subunit beta; plus strand). Cytogenetic location: 3q22.3.
Variant type: single nucleotide variant.
Coding change: c.1490C>T on transcript NM_000532.5 (MANE Select); coding-DNA position 1490, C replaced by T.
Protein change: p.Ala497Val; replaces alanine 497 with valine.
Molecular consequence: missense variant.
Genome position (GRCh38, 1-based): chr3:136,328,849, C>T. VCF-style: chr3-136328849-C-T. GRCh37 (hg19) VCF-style: chr3-136047691-C-T.
Other names: c.1550C>T, p.Ala517Val (NM_001178014.2); short protein forms A497V, A517V.
Identifiers: ClinVar variation 38877 (VCV000038877.90), dbSNP rs142403318, ClinGen allele CA343137.